The following is an entry in ClinVar:

ClinVar aggregate classification (germline): Uncertain significance (1 of 4 stars; one submission).

Conditions:
Tatton-Brown-Rahman overgrowth syndrome. Also called: Tall stature-intellectual disability-facial dysmorphism syndrome; Tatton-Brown-Rahman syndrome. Identifiers: Orphanet 404443, MedGen C4014545, MONDO:0014382, OMIM 615879.

Submission:

Broad Center for Mendelian Genomics, Broad Institute of MIT and Harvard
Classification: Uncertain significance for Tatton-Brown-Rahman overgrowth syndrome. Last evaluated: 2023-05-02. Review status: criteria provided, single submitter. Criteria: ACMG Guidelines, 2015. Collection method: curation. Allele origin: germline. Inheritance: Autosomal dominant inheritance.
Comment: Trio exome analysis showed this variant to be de novo. The p.Pro453SerfsTer21 variant in DNMT3A has not been identified in individuals with DNMT3A-related disorders (Tatton-Brown-Rahman syndrome and Heyn-Sproul-Jackson syndrome). This variant was absent from large population studies. This variant is predicted to cause a frameshift, which alters the protein‚Äôs amino acid sequence beginning at position 453 and leads to a premature termination codon 21 amino acids downstream. This alteration is then predicted to lead to a truncated or absent protein. While there is some evidence to suggest that heterozygous loss of function of the DNMT3A gene is a disease mechanism in DNMT3A-related disorders (Tatton-Brown-Rahman syndrome and Heyn-Sproul-Jackson syndrome), this association is not yet strongly established based on the criteria laid out in Tayoun, 2018 (PMID: 30192042). In summary, while there is some suspicion for a pathogenic role, the clinical significance of this variant is uncertain. ACMG/AMP Criteria applied: PVS1_Moderate, PS2_Supporting, PM2_Supporting (Richards 2015).

NM_022552.5(DNMT3A):c.1353_1356dup (p.Pro453fs)

Gene: DNMT3A (DNA methyltransferase 3 alpha; minus strand). Cytogenetic location: 2p23.3.
Variant type: Duplication.
Coding change: c.1353_1356dup on transcript NM_022552.5 (MANE Select); coding-DNA positions 1353 to 1356, 4 bases duplicated (TCCA; older notation c.1353_1356dupTCCA).
Protein change: p.Pro453fs; shifts the reading frame from proline 453.
Molecular consequence: frameshift variant. On other transcripts: non-coding transcript variant (1).
Genome position (GRCh38, 1-based): chr2:25,246,233-25,246,236, TGGA duplicated on the plus strand (TCCA on the coding strand, the reverse complement: DNMT3A is on the minus strand). VCF-style (leftmost placement, unchanged base first): chr2-25246232-G-GTGGA. GRCh37 (hg19) VCF-style: chr2-25469101-G-GTGGA.
Other names: NM_022552.5:c.1353_1356dup; c.897_900dup, p.Pro301fs (NM_001320893.1); c.684_687dup, p.Pro230fs (NM_001375819.1); c.786_789dup, p.Pro264fs (NM_153759.3); c.1353_1356dup, p.Pro453fs (NM_175629.2); short protein forms P230fs, P264fs, P301fs, P453fs.
Identifiers: ClinVar variation 2500883 (VCV002500883.1), dbSNP rs2465521736, ClinGen allele CA2573334483.